The following is an entry in ClinVar:

NM_031372.4(HNRNPDL):c.22T>C (p.Ser8Pro)

Gene: HNRNPDL (heterogeneous nuclear ribonucleoprotein D like; minus strand). Cytogenetic location: 4q21.22.
Variant type: single nucleotide variant.
Coding change: c.22T>C on transcript NM_031372.4 (MANE Select); coding-DNA position 22, T replaced by C.
Protein change: p.Ser8Pro; replaces serine 8 with proline.
Molecular consequence: missense variant. On other transcripts: non-coding transcript variant (1).
Genome position (GRCh38, 1-based): chr4:82,429,669, A>G on the plus strand (T>C on the coding strand, the complement: HNRNPDL is on the minus strand). VCF-style: chr4-82429669-A-G. GRCh37 (hg19) VCF-style: chr4-83350822-A-G.
Other names: c.22T>C, p.Ser8Pro (NM_001207000.1); short protein forms S8P.
Identifiers: ClinVar variation 1976451 (VCV001976451.5), dbSNP rs1440968271, ClinGen allele CA357174177.

ClinVar aggregate classification (germline): Uncertain significance (1 of 4 stars; one submission).

Conditions:
Autosomal dominant limb-girdle muscular dystrophy type 1G (LGMDD3). Also called: Limb-girdle muscular dystrophy, type 1G; MUSCULAR DYSTROPHY, LIMB-GIRDLE, AUTOSOMAL DOMINANT 3. Identifiers: Orphanet 55596, MedGen C1836765, MONDO:0012193, OMIM 609115.

Allele frequency attached by ClinVar (database versions not stated): gnomAD 0.00001; TOPMed 0.00001.
gnomAD v4.1: 5 of 1,361,538 alleles (0.00037%); highest among the groups gnomAD compares: East Asian, 0.0061%; no homozygotes.

Submission:

Labcorp Genetics (formerly Invitae), Labcorp
Classification: Uncertain significance for Autosomal dominant limb-girdle muscular dystrophy type 1G. Last evaluated: 2025-09-10. Review status: criteria provided, single submitter. Criteria: Invitae Variant Classification Sherloc (09022015). Collection method: clinical testing. Allele origin: germline.
Comment: This sequence change replaces serine, which is neutral and polar, with proline, which is neutral and non-polar, at codon 8 of the HNRNPDL protein (p.Ser8Pro). This variant is not present in population databases (gnomAD no frequency). This variant has not been reported in the literature in individuals affected with HNRNPDL-related conditions. ClinVar contains an entry for this variant (Variation ID: 1976451). An algorithm developed to predict the effect of missense changes on protein structure and function (PolyPhen-2) suggests that this variant is likely to be tolerated. In summary, the available evidence is currently insufficient to determine the role of this variant in disease. Therefore, it has been classified as a Variant of Uncertain Significance.